The following is an entry in ClinVar:

NM_001395058.1(MYO15B):c.2190G>A (p.Leu730=)

Gene: MYO15B (myosin XVB; plus strand). Cytogenetic location: 17q25.1.
Variant type: single nucleotide variant.
Coding change: c.2190G>A on transcript NM_001395058.1 (MANE Select); coding-DNA position 2190, G replaced by A.
Protein change: p.Leu730=; no amino-acid change (leucine 730 retained).
Molecular consequence: synonymous variant.
Genome position (GRCh38, 1-based): chr17:75,590,629, G>A. VCF-style: chr17-75590629-G-A. GRCh37 (hg19) VCF-style: chr17-73586710-G-A.
Other names: c.2190G>A, p.Leu730= (NM_001309242.2).
Identifiers: ClinVar variation 2648267 (VCV002648267.24), dbSNP rs1397996958, ClinGen allele CA775105261.

ClinVar aggregate classification (germline): Likely benign (1 of 4 stars; one submission).

Allele frequency attached by ClinVar (database versions not stated): TOPMed 0.00001.

Submission:

CeGaT Center for Human Genetics Tuebingen
Classification: Likely benign. Last evaluated: 2022-09-01. Review status: criteria provided, single submitter. Criteria: CeGaT Center For Human Genetics Tuebingen Variant Classification Criteria Version 2. Collection method: clinical testing. Allele origin: germline. Affected: yes. Observed: 1 variant allele.
Comment: MYO15B: PM2:Supporting, BP4, BP7